The following is an entry in ClinVar:

NM_005032.7(PLS3):c.394del (p.Trp132fs)

Gene: PLS3 (plastin 3; plus strand). Cytogenetic location: Xq23.
Variant type: Deletion.
Coding change: c.394del on transcript NM_005032.7 (MANE Select); coding-DNA position 394, one base deleted (T; older notation c.394delT).
Protein change: p.Trp132fs; shifts the reading frame from tryptophan 132.
Molecular consequence: frameshift variant.
Genome position (GRCh38, 1-based): chrX:115,629,861, T deleted. VCF-style (leftmost placement, unchanged base first): chrX-115629860-CT-C. GRCh37 (hg19) VCF-style: chrX-114864172-CT-C.
Other names: c.394del, p.Trp132fs (NM_001136025.5); c.313del, p.Trp105fs (NM_001172335.3); c.328del, p.Trp110fs (NM_001282337.2); c.259del, p.Trp87fs (NM_001282338.2); short protein forms W110fs, W87fs, W105fs, W132fs.
Identifiers: ClinVar variation 2833036 (VCV002833036.3), dbSNP rs2521414626, ClinGen allele CA2579683852.

ClinVar aggregate classification (germline): Pathogenic (1 of 4 stars; one submission).

Submission:

Labcorp Genetics (formerly Invitae), Labcorp
Classification: Pathogenic. Last evaluated: 2023-03-08. Review status: criteria provided, single submitter. Criteria: Invitae Variant Classification Sherloc (09022015). Collection method: clinical testing. Allele origin: germline.
Comment: For these reasons, this variant has been classified as Pathogenic. This variant has not been reported in the literature in individuals affected with PLS3-related conditions. This variant is not present in population databases (gnomAD no frequency). This sequence change creates a premature translational stop signal (p.Trp132Glyfs*2) in the PLS3 gene. It is expected to result in an absent or disrupted protein product. Loss-of-function variants in PLS3 are known to be pathogenic (PMID: 24088043, 30405713, 33166085).

Literature cited by the submitters: PubMed 24088043; PubMed 30405713; PubMed 33166085.